The following is an entry in ClinVar:

ClinVar aggregate classification (germline): Likely benign (1 of 4 stars; one submission).

gnomAD v4.1: 1 of 1,212,132 alleles (0.000082%); highest among the groups gnomAD compares: South Asian, 0.0018%; no homozygotes.

Submission:

CeGaT Center for Human Genetics Tuebingen
Classification: Likely benign. Last evaluated: 2025-10-01. Review status: criteria provided, single submitter. Criteria: CeGaT Center For Human Genetics Tuebingen Variant Classification Criteria Version 2. Collection method: clinical testing. Allele origin: germline. Affected: yes. Observed: 1 variant allele.
Comment: KDM5C: BP4, BP7

NM_004187.5(KDM5C):c.2937T>C (p.Ile979=)

Gene: KDM5C (lysine demethylase 5C; minus strand). Cytogenetic location: Xp11.22.
Variant type: single nucleotide variant.
Coding change: c.2937T>C on transcript NM_004187.5 (MANE Select); coding-DNA position 2937, T replaced by C.
Protein change: p.Ile979=; no amino-acid change (isoleucine 979 retained).
Molecular consequence: synonymous variant. On other transcripts: non-coding transcript variant (3).
Genome position (GRCh38, 1-based): chrX:53,196,730, A>G on the plus strand (T>C on the coding strand, the complement: KDM5C is on the minus strand). VCF-style: chrX-53196730-A-G. GRCh37 (hg19) VCF-style: chrX-53225912-A-G.
Other names: c.2736T>C, p.Ile912= (NM_001146702.2); c.2934T>C, p.Ile978= (NM_001282622.3, NM_001353979.2, NM_001353982.2); c.2937T>C, p.Ile979= (NM_001353978.3, NM_001353981.2, NM_001353984.2).
Identifiers: ClinVar variation 4533674 (VCV004533674.6).